The following is an entry in ClinVar:

NM_001376.5(DYNC1H1):c.5818-4C>T

Gene: DYNC1H1 (dynein cytoplasmic 1 heavy chain 1; plus strand). Cytogenetic location: 14q32.31.
Variant type: single nucleotide variant.
Coding change: c.5818-4C>T on transcript NM_001376.5 (MANE Select); 4 bases into the intron before coding-DNA position 5818, C replaced by T.
Molecular consequence: intron variant.
Genome position (GRCh38, 1-based): chr14:102,008,174, C>T. VCF-style: chr14-102008174-C-T. GRCh37 (hg19) VCF-style: chr14-102474511-C-T.
Identifiers: ClinVar variation 425056 (VCV000425056.51), dbSNP rs532720319, ClinGen allele CA7352499.

ClinVar aggregate classification (germline): Conflicting classifications of pathogenicity. Review status: criteria provided, conflicting classifications (1 of 4 stars). 4 submissions from 4 submitters: Uncertain significance (1); Likely benign (3). Last evaluated 2026-03-12.

Conditions:
DYNC1H1-related disorder. Also called: DYNC1H1-related condition; DYNC1H1-related disorders. Identifiers: MedGen CN381529.
Inborn genetic diseases. Identifiers: MedGen C0950123, MeSH D030342.
Charcot-Marie-Tooth disease axonal type 2O. Also called: Charcot-Marie-Tooth disease, axonal, type 20; CHARCOT-MARIE-TOOTH NEUROPATHY, AXONAL, TYPE 2O; CHARCOT-MARIE-TOOTH DISEASE, AXONAL, AUTOSOMAL DOMINANT, TYPE 2O; Charcot-Marie-Tooth Neuropathy Type 2O. Identifiers: Orphanet 284232, MedGen C3280220, MONDO:0013644, OMIM 614228.

Allele frequency attached by ClinVar (database versions not stated): TOPMed below 0.00001; ExAC 0.00002; gnomAD exomes 0.00002; gnomAD 0.00004 and 0.00005; 1000 Genomes Project 30x 0.00047; 1000 Genomes Project 0.00060.
gnomAD v4.1: 17 of 1,614,036 alleles (0.0011%); highest among the groups gnomAD compares: Admixed American, 0.02%; no homozygotes.

Submissions (4):

PreventionGenetics, part of Exact Sciences
Classification: Likely benign for DYNC1H1-related condition. Last evaluated: 2026-03-12. Review status: criteria provided, single submitter. Criteria: ACMG Guidelines, 2015. Collection method: clinical testing. Allele origin: germline.
Comment: This variant is classified as likely benign based on ACMG/AMP sequence variant interpretation guidelines (Richards et al. 2015 PMID: 25741868, with internal and published modifications).

Labcorp Genetics (formerly Invitae), Labcorp
Classification: Likely benign for Charcot-Marie-Tooth disease axonal type 2O. Last evaluated: 2025-10-16. Review status: criteria provided, single submitter. Criteria: Invitae Variant Classification Sherloc (09022015). Collection method: clinical testing. Allele origin: germline.

Ambry Genetics
Classification: Likely benign for Inborn genetic diseases. Last evaluated: 2017-11-02. Review status: criteria provided, single submitter. Criteria: Ambry Variant Classification Scheme 2023. Collection method: clinical testing. Allele origin: germline.

CeGaT Center for Human Genetics Tuebingen
Classification: Uncertain significance. Last evaluated: 2016-10-01. Review status: criteria provided, single submitter. Criteria: CeGaT Center For Human Genetics Tuebingen Variant Classification Criteria Version 2. Collection method: clinical testing. Allele origin: germline. Affected: yes. Observed: 1 variant allele.